The following is an entry in ClinVar:

NM_001942.4(DSG1):c.2332C>G (p.Gln778Glu)

Genes: DSG1 (desmoglein 1; plus strand), DSG1-AS1 (DSG1 antisense RNA 1; minus strand), LOC126862720 (MED14-independent group 3 enhancer GRCh37_chr18:28933613-28934812; plus strand). Cytogenetic location: 18q12.1.
Variant type: single nucleotide variant.
Coding change: c.2332C>G on transcript NM_001942.4 (MANE Select); coding-DNA position 2332, C replaced by G.
Protein change: p.Gln778Glu; replaces glutamine 778 with glutamic acid.
Molecular consequence: missense variant.
Genome position (GRCh38, 1-based): chr18:31,354,528, C>G. VCF-style: chr18-31354528-C-G. GRCh37 (hg19) VCF-style: chr18-28934491-C-G.
Other names: short protein forms Q778E.
Identifiers: ClinVar variation 3658167 (VCV003658167.2).

ClinVar aggregate classification (germline): Uncertain significance (1 of 4 stars; one submission).

Submission:

Labcorp Genetics (formerly Invitae), Labcorp
Classification: Uncertain significance. Last evaluated: 2024-06-28. Review status: criteria provided, single submitter. Criteria: Invitae Variant Classification Sherloc (09022015). Collection method: clinical testing. Allele origin: germline.
Comment: This sequence change replaces glutamine, which is neutral and polar, with glutamic acid, which is acidic and polar, at codon 778 of the DSG1 protein (p.Gln778Glu). This variant is not present in population databases (gnomAD no frequency). This variant has not been reported in the literature in individuals affected with DSG1-related conditions. Algorithms developed to predict the effect of missense changes on protein structure and function output the following: SIFT: "Not Available"; PolyPhen-2: "Benign"; Align-GVGD: "Not Available". The glutamic acid amino acid residue is found in multiple mammalian species, which suggests that this missense change does not adversely affect protein function. In summary, the available evidence is currently insufficient to determine the role of this variant in disease. Therefore, it has been classified as a Variant of Uncertain Significance.